The following is an entry in ClinVar:

NM_006940.6(SOX5):c.1092C>G (p.Asn364Lys)

Gene: SOX5 (SRY-box transcription factor 5; minus strand). Cytogenetic location: 12p12.1.
Variant type: single nucleotide variant.
Coding change: c.1092C>G on transcript NM_006940.6 (MANE Select); coding-DNA position 1092, C replaced by G.
Protein change: p.Asn364Lys; replaces asparagine 364 with lysine.
Molecular consequence: missense variant.
Genome position (GRCh38, 1-based): chr12:23,604,459, G>C on the plus strand (C>G on the coding strand, the complement: SOX5 is on the minus strand). VCF-style: chr12-23604459-G-C. GRCh37 (hg19) VCF-style: chr12-23757393-G-C.
Other names: c.1053C>G, p.Asn351Lys (NM_001261414.3, NM_152989.5); c.1062C>G, p.Asn354Lys (NM_001261415.3); c.987C>G, p.Asn329Lys (NM_001330785.2); short protein forms N329K, N351K, N354K, N364K.
Identifiers: ClinVar variation 4540201 (VCV004540201.1).

ClinVar aggregate classification (germline): Uncertain significance (1 of 4 stars; one submission).

Submission:

GeneDx
Classification: Uncertain significance. Last evaluated: 2025-06-24. Review status: criteria provided, single submitter. Criteria: GeneDx Variant Classification Process June 2021. Collection method: clinical testing. Allele origin: germline. Affected: yes.
Comment: Not observed at significant frequency in large population cohorts (gnomAD); In silico analysis suggests that this missense variant does not alter protein structure/function; Has not been previously published as pathogenic or benign to our knowledge